The following is an entry in ClinVar:

ClinVar aggregate classification (germline): Uncertain significance. Review status: criteria provided, multiple submitters, no conflicts (2 of 4 stars). 2 submissions from 2 submitters: Uncertain significance (2). Last evaluated 2025-11-07.

Conditions:
Arrhythmogenic right ventricular dysplasia 13. Also called: ARRHYTHMOGENIC RIGHT VENTRICULAR CARDIOMYOPATHY 13; Arrhythmogenic right ventricular dysplasia, familial, 13. Identifiers: MedGen C3810138, MONDO:0000908, OMIM 615616.

Allele frequency attached by ClinVar (database versions not stated): gnomAD 0.00001; gnomAD exomes 0.00001; TOPMed 0.00001.
gnomAD v4.1: 5 of 1,612,386 alleles (0.00031%); highest among the groups gnomAD compares: African/African-American, 0.0067%; no homozygotes.

Submissions (2):

Ambry Genetics
Classification: Uncertain significance. Last evaluated: 2025-11-07. Review status: criteria provided, single submitter. Criteria: Ambry Variant Classification Scheme 2023. Collection method: clinical testing. Allele origin: germline.
Comment: The p.A465P variant (also known as c.1393G>C), located in coding exon 10 of the CTNNA3 gene, results from a G to C substitution at nucleotide position 1393. The alanine at codon 465 is replaced by proline, an amino acid with highly similar properties. This amino acid position is conserved. In addition, the in silico prediction for this alteration is inconclusive. Since supporting evidence is limited at this time, the clinical significance of this alteration remains unclear.

Labcorp Genetics (formerly Invitae), Labcorp
Classification: Uncertain significance for Arrhythmogenic right ventricular dysplasia 13. Last evaluated: 2024-06-28. Review status: criteria provided, single submitter. Criteria: Invitae Variant Classification Sherloc (09022015). Collection method: clinical testing. Allele origin: germline.
Comment: This sequence change replaces alanine, which is neutral and non-polar, with proline, which is neutral and non-polar, at codon 465 of the CTNNA3 protein (p.Ala465Pro). This variant is present in population databases (no rsID available, gnomAD 0.01%). This variant has not been reported in the literature in individuals affected with CTNNA3-related conditions. ClinVar contains an entry for this variant (Variation ID: 1771585). Advanced modeling of protein sequence and biophysical properties (such as structural, functional, and spatial information, amino acid conservation, physicochemical variation, residue mobility, and thermodynamic stability) has been performed at Invitae for this missense variant, however the output from this modeling did not meet the statistical confidence thresholds required to predict the impact of this variant on CTNNA3 protein function. In summary, the available evidence is currently insufficient to determine the role of this variant in disease. Therefore, it has been classified as a Variant of Uncertain Significance.

NM_013266.4(CTNNA3):c.1393G>C (p.Ala465Pro)

Gene: CTNNA3 (catenin alpha 3; minus strand). Cytogenetic location: 10q21.3.
Variant type: single nucleotide variant.
Coding change: c.1393G>C on transcript NM_013266.4 (MANE Select); coding-DNA position 1393, G replaced by C.
Protein change: p.Ala465Pro; replaces alanine 465 with proline.
Molecular consequence: missense variant.
Genome position (GRCh38, 1-based): chr10:66,520,755, C>G on the plus strand (G>C on the coding strand, the complement: CTNNA3 is on the minus strand). VCF-style: chr10-66520755-C-G. GRCh37 (hg19) VCF-style: chr10-68280513-C-G.
Other names: c.1393G>C, p.Ala465Pro (NM_001127384.3); short protein forms A465P.
Identifiers: ClinVar variation 1771585 (VCV001771585.5), dbSNP rs1436674216, ClinGen allele CA377091489.